The following is an entry in ClinVar:

ClinVar aggregate classification (germline): Uncertain significance. Review status: criteria provided, single submitter (1 of 4 stars). 2 submissions from 2 submitters: Uncertain significance (1). 1 of the submissions does not count toward it. Last evaluated 2025-09-02.

Allele frequency attached by ClinVar (database versions not stated): gnomAD 0.00033 and 0.00041; TOPMed 0.00042; gnomAD exomes 0.00012; ExAC 0.00017; ESP Exome Variant Server 0.00038.
gnomAD v4.1: 125 of 1,614,086 alleles (0.0077%); highest among the groups gnomAD compares: African/African-American, 0.12%; no homozygotes.

Submissions (2):

Women's Health and Genetics/Laboratory Corporation of America, LabCorp
Classification: Uncertain significance. Last evaluated: 2025-09-02. Review status: criteria provided, single submitter. Criteria: LabCorp Variant Classification Summary - May 2015. Collection method: clinical testing. Allele origin: germline.
Comment: Variant summary: SMO c.672G>T (p.Glu224Asp) results in a conservative amino acid change in the encoded protein sequence. Algorithms developed to predict the effect of missense changes on protein structure and function are either unavailable or do not agree on the potential impact of this missense change. The variant allele was found at a frequency of 0.00012 in 250906 control chromosomes. This frequency is not significantly higher than estimated for disease-causing variants in SMO, allowing no conclusion about variant significance. To our knowledge, no occurrence of c.672G>T in individuals affected with SMO-related conditions and no experimental evidence demonstrating its impact on protein function have been reported. ClinVar contains an entry for this variant (Variation ID: 135268). Based on the evidence outlined above, the variant was classified as uncertain significance.

ITMI
No classification provided. Condition: AllHighlyPenetrant. Last evaluated: 2013-09-19. Review status: no classification provided. Collection method: reference population. Allele origin: germline. Not counted in ClinVar's aggregate classification.
Comment: Please see associated publication for description of ethnicities

Literature cited by the submitters: PubMed 24728327 (cited by ITMI).

NM_005631.5(SMO):c.672G>T (p.Glu224Asp)

Gene: SMO (smoothened, frizzled class receptor; plus strand). Cytogenetic location: 7q32.1.
Variant type: single nucleotide variant.
Coding change: c.672G>T on transcript NM_005631.5 (MANE Select); coding-DNA position 672, G replaced by T.
Protein change: p.Glu224Asp; replaces glutamic acid 224 with aspartic acid.
Molecular consequence: missense variant.
Genome position (GRCh38, 1-based): chr7:129,205,337, G>T. VCF-style: chr7-129205337-G-T. GRCh37 (hg19) VCF-style: chr7-128845178-G-T.
Other names: c.672G>T, p.Glu224Asp (LRG_1393t1); short protein forms E224D.
Identifiers: ClinVar variation 135268 (VCV000135268.2), dbSNP rs148484943, ClinGen allele CA162182.